The following is an entry in ClinVar:

ClinVar aggregate classification (germline): Uncertain significance. Review status: criteria provided, multiple submitters, no conflicts (2 of 4 stars). 3 submissions from 3 submitters: Uncertain significance (3). Last evaluated 2026-09-12.

Conditions:
Hereditary cancer-predisposing syndrome. Also called: Tumor predisposition; Hereditary neoplastic syndrome; Neoplastic Syndromes, Hereditary; Hereditary Cancer Syndrome. Identifiers: Orphanet 140162, MedGen C0027672, MeSH D009386, MONDO:0015356.
Familial adenomatous polyposis 1 (FAP1). Also called: FAMILIAL ADENOMATOUS POLYPOSIS 1, ATTENUATED; POLYPOSIS, ADENOMATOUS INTESTINAL. Identifiers: MedGen C2713442, MONDO:0021056, OMIM 175100. Disease mechanism: loss of function.

Allele frequency attached by ClinVar (database versions not stated): gnomAD below 0.00001 and 0.00001.
gnomAD v4.1: 1 of 1,613,806 alleles (0.000062%); highest among the groups gnomAD compares: South Asian, 0.0011%; no homozygotes.

Submissions (3):

Ambry Genetics
Classification: Uncertain significance for Hereditary cancer-predisposing syndrome. Last evaluated: 2026-09-12. Review status: criteria provided, single submitter. Criteria: Ambry Variant Classification Scheme 2023. Collection method: clinical testing. Allele origin: germline.
Comment: The p.L1765V variant (also known as c.5293T>G), located in coding exon 15 of the APC gene, results from a T to G substitution at nucleotide position 5293. The leucine at codon 1765 is replaced by valine, an amino acid with highly similar properties. This amino acid position is conserved. In addition, in silico predictors for this gene do not accurately predict pathogenicity. Based on the available evidence, the clinical significance of this variant remains unclear.

Labcorp Genetics (formerly Invitae), Labcorp
Classification: Uncertain significance for Familial adenomatous polyposis 1. Last evaluated: 2024-03-29. Review status: criteria provided, single submitter. Criteria: Invitae Variant Classification Sherloc (09022015). Collection method: clinical testing. Allele origin: germline.
Comment: This sequence change replaces leucine, which is neutral and non-polar, with valine, which is neutral and non-polar, at codon 1765 of the APC protein (p.Leu1765Val). This variant is not present in population databases (gnomAD no frequency). This variant has not been reported in the literature in individuals affected with APC-related conditions. ClinVar contains an entry for this variant (Variation ID: 848232). Advanced modeling of protein sequence and biophysical properties (such as structural, functional, and spatial information, amino acid conservation, physicochemical variation, residue mobility, and thermodynamic stability) performed at Invitae indicates that this missense variant is not expected to disrupt APC protein function with a negative predictive value of 95%. In summary, the available evidence is currently insufficient to determine the role of this variant in disease. Therefore, it has been classified as a Variant of Uncertain Significance.

Color Diagnostics, LLC DBA Color Health
Classification: Uncertain significance for Hereditary cancer-predisposing syndrome. Last evaluated: 2024-03-06. Review status: criteria provided, single submitter. Criteria: ACMG Guidelines, 2015. Collection method: clinical testing. Allele origin: germline.
Comment: This missense variant replaces leucine with valine at codon 1765 of the APC protein. Computational prediction suggests that this variant may not impact protein structure and function (internally defined REVEL score threshold <= 0.5, PMID: 27666373). Splice site prediction tools suggest that this variant may not impact RNA splicing. To our knowledge, functional studies have not been performed for this variant. This variant has not been reported in individuals affected with hereditary cancer in the literature. This variant has not been identified in the general population by the Genome Aggregation Database (gnomAD). The available evidence is insufficient to determine the role of this variant in disease conclusively. Therefore, this variant is classified as a Variant of Uncertain Significance.

NM_000038.6(APC):c.5293T>G (p.Leu1765Val)

Gene: APC (APC regulator of Wnt signaling pathway; plus strand). Cytogenetic location: 5q22.2.
Variant type: single nucleotide variant.
Coding change: c.5293T>G on transcript NM_000038.6 (MANE Select); coding-DNA position 5293, T replaced by G.
Protein change: p.Leu1765Val; replaces leucine 1765 with valine.
Molecular consequence: missense variant.
Genome position (GRCh38, 1-based): chr5:112,840,887, T>G. VCF-style: chr5-112840887-T-G. GRCh37 (hg19) VCF-style: chr5-112176584-T-G.
Other names: c.5293T>G, p.Leu1765Val (NM_001127510.3, NM_001354895.2); c.5239T>G, p.Leu1747Val (NM_001127511.3); c.5347T>G, p.Leu1783Val (NM_001354896.2); c.5323T>G, p.Leu1775Val (NM_001354897.2); c.5218T>G, p.Leu1740Val (NM_001354898.2); c.5209T>G, p.Leu1737Val (NM_001354899.2); c.5170T>G, p.Leu1724Val (NM_001354900.2); c.5116T>G, p.Leu1706Val (NM_001354901.2); and 5 more; short protein forms L1482V, L1639V, L1664V, L1765V, L1747V, L1783V, L1674V, L1724V.
Identifiers: ClinVar variation 848232 (VCV000848232.15), dbSNP rs1765914724, ClinGen allele CA16032901.